The following is an entry in ClinVar:

NM_212482.4(FN1):c.4172T>C (p.Val1391Ala)

Genes: FN1 (fibronectin 1; minus strand), LOC126806497 (BRD4-independent group 4 enhancer GRCh37_chr2:216255920-216257119; plus strand). Cytogenetic location: 2q35.
Variant type: single nucleotide variant.
Coding change: c.4172T>C on transcript NM_212482.4 (MANE Select); coding-DNA position 4172, T replaced by C.
Protein change: p.Val1391Ala; replaces valine 1391 with alanine.
Molecular consequence: missense variant.
Genome position (GRCh38, 1-based): chr2:215,391,712, A>G on the plus strand (T>C on the coding strand, the complement: FN1 is on the minus strand). VCF-style: chr2-215391712-A-G. GRCh37 (hg19) VCF-style: chr2-216256435-A-G.
Other names: c.4172T>C, p.Val1391Ala (NM_001306129.2, NM_001306130.2, NM_001365517.2 and 3 more transcripts); c.3899T>C, p.Val1300Ala (NM_001306131.2, NM_001306132.2, NM_001365518.2 and 7 more transcripts); short protein forms V1391A, V1300A.
Identifiers: ClinVar variation 2052342 (VCV002052342.4), dbSNP rs2469748265, ClinGen allele CA350484142.

ClinVar aggregate classification (germline): Uncertain significance (1 of 4 stars; one submission).

Submission:

Labcorp Genetics (formerly Invitae), Labcorp
Classification: Uncertain significance. Last evaluated: 2022-07-26. Review status: criteria provided, single submitter. Criteria: Invitae Variant Classification Sherloc (09022015). Collection method: clinical testing. Allele origin: germline.
Comment: This variant is not present in population databases (gnomAD no frequency). In summary, the available evidence is currently insufficient to determine the role of this variant in disease. Therefore, it has been classified as a Variant of Uncertain Significance. Algorithms developed to predict the effect of missense changes on protein structure and function are either unavailable or do not agree on the potential impact of this missense change (SIFT: "Not Available"; PolyPhen-2: "Possibly Damaging"; Align-GVGD: "Not Available"). This variant has not been reported in the literature in individuals affected with FN1-related conditions. This sequence change replaces valine, which is neutral and non-polar, with alanine, which is neutral and non-polar, at codon 1391 of the FN1 protein (p.Val1391Ala).